The following is an entry in ClinVar:

NM_003482.4(KMT2D):c.2656C>G (p.Pro886Ala)

Gene: KMT2D (lysine methyltransferase 2D; minus strand). Cytogenetic location: 12q13.12.
Variant type: single nucleotide variant.
Coding change: c.2656C>G on transcript NM_003482.4 (MANE Select); coding-DNA position 2656, C replaced by G.
Protein change: p.Pro886Ala; replaces proline 886 with alanine.
Molecular consequence: missense variant.
Genome position (GRCh38, 1-based): chr12:49,051,027, G>C on the plus strand (C>G on the coding strand, the complement: KMT2D is on the minus strand). VCF-style: chr12-49051027-G-C. GRCh37 (hg19) VCF-style: chr12-49444810-G-C.
Other names: short protein forms P886A.
Identifiers: ClinVar variation 134669 (VCV000134669.6), dbSNP rs199946966, ClinGen allele CA160501.

ClinVar aggregate classification (germline): Uncertain significance. Review status: criteria provided, multiple submitters, no conflicts (2 of 4 stars). 3 submissions from 3 submitters: Uncertain significance (2). 1 of the submissions does not count toward it. Last evaluated 2021-12-08.

Conditions:
Kabuki syndrome 1 (KABUK1). Also called: KMT2D-Related Kabuki Syndrome. Identifiers: Orphanet 2322, MedGen CN030661, MONDO:0007843, OMIM 147920.

Allele frequency attached by ClinVar (database versions not stated): TOPMed 0.00002.
gnomAD v4.1: 12 of 1,557,066 alleles (0.00077%); highest among the groups gnomAD compares: Admixed American, 0.002%; no homozygotes.

Submissions (3):

Fulgent Genetics
Classification: Uncertain significance for Kabuki syndrome 1. Last evaluated: 2021-12-08. Review status: criteria provided, single submitter. Criteria: ACMG Guidelines, 2015. Collection method: clinical testing. Allele origin: unknown.

Eurofins Ntd Llc (ga)
Classification: Uncertain significance. Last evaluated: 2015-12-04. Review status: criteria provided, single submitter. Criteria: EGL Classification Definitions 2015. Collection method: clinical testing. Allele origin: germline. Observed: 1 variant allele, 1 heterozygote.

ITMI
No classification provided. Condition: AllHighlyPenetrant. Last evaluated: 2013-09-19. Review status: no classification provided. Collection method: reference population. Allele origin: germline. Not counted in ClinVar's aggregate classification.
Comment: Please see associated publication for description of ethnicities

Literature cited by the submitters: PubMed 24728327 (cited by ITMI).